The following is an entry in ClinVar:

NM_006662.3(SRCAP):c.9562C>T (p.Arg3188Cys)

Gene: SRCAP (Snf2 related CREBBP activator protein; plus strand). Cytogenetic location: 16p11.2.
Variant type: single nucleotide variant.
Coding change: c.9562C>T on transcript NM_006662.3 (MANE Select); coding-DNA position 9562, C replaced by T.
Protein change: p.Arg3188Cys; replaces arginine 3188 with cysteine.
Molecular consequence: missense variant.
Genome position (GRCh38, 1-based): chr16:30,739,602, C>T. VCF-style: chr16-30739602-C-T. GRCh37 (hg19) VCF-style: chr16-30750923-C-T.
Other names: c.9562C>T (NM_006662.2); short protein forms R3188C.
Identifiers: ClinVar variation 1551169 (VCV001551169.19), dbSNP rs201133838, ClinGen allele CA8012951.
Genomic context (GRCh38, chr16:30,739,602, plus strand): 5'-TCAGTAGAGGAGTCTGAGGCTGAAGCCTCAGGTGAGGAGGAGGAAGGGGATGGGACCCCA[C>T]GCCGACGTCCTGGCCCCCGCCGGCTTGTTGGGACCACCAACCAAGGGGACCAGCGCATCC-3'
Protein context (NP_006653.2, residues 3178-3198): GEEEEGDGTP[Arg3188Cys]RRPGPRRLVG

ClinVar aggregate classification (germline): Likely benign. Review status: criteria provided, multiple submitters, no conflicts (2 of 4 stars). 5 submissions from 5 submitters: Likely benign (4). 1 of the submissions does not count toward it. Last evaluated 2025-12-17.

Conditions:
SRCAP-related disorder. Also called: SRCAP-related condition.
Inborn genetic diseases. Identifiers: MedGen C0950123, MeSH D030342.
Floating-Harbor syndrome (FLHS). Also called: SRCAP-Related Floating-Harbor Syndrome; Short stature with delayed bone age, expressive language delay, a triangular face with a prominent nose and deep-set eyes; Pelletier-Leisti syndrome. Identifiers: Orphanet 2044, MedGen C0729582, MONDO:0007621, OMIM 136140.
Developmental delay, hypotonia, musculoskeletal defects, and behavioral abnormalities. Identifiers: MedGen C5562012, MONDO:0859202, OMIM 619595.

Allele frequency attached by ClinVar (database versions not stated): ExAC 0.00027; gnomAD 0.00037 and 0.00038; ESP Exome Variant Server 0.00039; TOPMed 0.00043; 1000 Genomes Project 0.00060; 1000 Genomes Project 30x 0.00062.
gnomAD v4.1: 139 of 1,595,204 alleles (0.0087%); highest among the groups gnomAD compares: African/African-American, 0.13%; 1 homozygote.

Submissions (5):

Labcorp Genetics (formerly Invitae), Labcorp
Classification: Likely benign. Last evaluated: 2025-12-17. Review status: criteria provided, single submitter. Criteria: Invitae Variant Classification Sherloc (09022015). Collection method: clinical testing. Allele origin: germline.

CeGaT Center for Human Genetics Tuebingen
Classification: Likely benign. Last evaluated: 2025-09-01. Review status: criteria provided, single submitter. Criteria: CeGaT Center For Human Genetics Tuebingen Variant Classification Criteria Version 2. Collection method: clinical testing. Allele origin: germline. Affected: yes. Observed: 1 variant allele.
Comment: SRCAP: BS1

Ambry Genetics
Classification: Likely benign for Inborn genetic diseases. Last evaluated: 2025-08-06. Review status: criteria provided, single submitter. Criteria: Ambry Variant Classification Scheme 2023. Collection method: clinical testing. Allele origin: germline.

Fulgent Genetics
Classification: Likely benign for Floating-Harbor syndrome; Developmental delay, hypotonia, musculoskeletal defects, and behavioral abnormalities. Last evaluated: 2021-11-09. Review status: criteria provided, single submitter. Criteria: ACMG Guidelines, 2015. Collection method: clinical testing. Allele origin: unknown.

PreventionGenetics, part of Exact Sciences
Classification: Likely benign for SRCAP-related condition. Last evaluated: 2022-04-12. Review status: no assertion criteria provided. Collection method: clinical testing. Allele origin: germline. Not counted in ClinVar's aggregate classification.
Comment: This variant is classified as likely benign based on ACMG/AMP sequence variant interpretation guidelines (Richards et al. 2015 PMID: 25741868, with internal and published modifications).